The following is an entry in ClinVar:

ClinVar aggregate classification (germline): Likely pathogenic. Review status: criteria provided, multiple submitters, no conflicts (2 of 4 stars). 2 submissions from 2 submitters: Likely pathogenic (2). Last evaluated 2024-04-25.

Conditions:
Sandhoff disease. Also called: HEXOSAMINIDASES A AND B DEFICIENCY; Beta-hexosaminidase-beta-subunit deficiency; GM2 gangliosidosis, type 2; Total hexosaminidase deficiency; Sandhoff-Jatzkewitz-Pilz disease; GM2-GANGLIOSIDOSIS, TYPE II. Identifiers: Orphanet 796, MedGen C0036161, MONDO:0010006, OMIM 268800.

Submissions (2):

Fulgent Genetics
Classification: Likely pathogenic for Sandhoff disease. Last evaluated: 2024-04-25. Review status: criteria provided, single submitter. Criteria: ACMG Guidelines, 2015. Collection method: clinical testing. Allele origin: germline.

Natera, Inc.
Classification: Likely pathogenic for Sandhoff disease. Last evaluated: 2024-03-21. Review status: criteria provided, single submitter. Criteria: Natera Variant Classification Schema (03/2026). Collection method: clinical testing. Allele origin: germline.
Comment: The c.300-1_300delGA variant in HEXB is a canonical splice acceptor site variant predicted to affect pre-mRNA splicing, which may result in an abnormal transcript and altered protein product. This variant is expected to result in nonsense mediated decay, truncation, or a dysfunctional protein product. This variant is rare in the general population with a frequency below the threshold expected for the associated phenotype(s). Given the available evidence, this variant is classified as Likely Pathogenic.

NM_000521.4(HEXB):c.300-1_300del

Gene: HEXB (hexosaminidase subunit beta; plus strand). Cytogenetic location: 5q13.3.
Variant type: Deletion.
Coding change: c.300-1_300del on transcript NM_000521.4 (MANE Select); the canonical splice acceptor site of the intron before coding-DNA position 300 through coding-DNA position 300, 2 bases deleted (GA; older notation c.300-1_300delGA).
Molecular consequence: splice acceptor variant.
Genome position (GRCh38, 1-based): chr5:74,689,327-74,689,328, GA deleted; deleting any 2 consecutive bases within chr5:74,689,326-74,689,328 gives the same sequence; the c. name uses the placement nearest the transcript's 3' end. VCF-style (leftmost placement, unchanged base first): chr5-74689325-CAG-C. GRCh37 (hg19) VCF-style: chr5-73985150-CAG-C.
Other names: c.-376-1_-376del (NM_001292004.2); c.300-1_300delGA (NM_000521.3).
Identifiers: ClinVar variation 3592757 (VCV003592757.2).